The following is an entry in ClinVar:

ClinVar aggregate classification (germline): Uncertain significance. Review status: criteria provided, multiple submitters, no conflicts (2 of 4 stars). 3 submissions from 3 submitters: Uncertain significance (3). Last evaluated 2024-09-24.

Conditions:
Inborn genetic diseases. Identifiers: MedGen C0950123, MeSH D030342.

Allele frequency attached by ClinVar (database versions not stated): gnomAD exomes 0.00002; TOPMed 0.00002; gnomAD 0.00003.
gnomAD v4.1: 34 of 1,525,386 alleles (0.0022%); highest among the groups gnomAD compares: East Asian, 0.027%; no homozygotes.

Submissions (3):

Ambry Genetics
Classification: Uncertain significance for Inborn genetic diseases. Last evaluated: 2024-09-24. Review status: criteria provided, single submitter. Criteria: Ambry Variant Classification Scheme 2023. Collection method: clinical testing. Allele origin: germline.

Blueprint Genetics
Classification: Uncertain significance. Last evaluated: 2022-10-17. Review status: criteria provided, single submitter. Criteria: ACMG Guidelines, 2015. Collection method: clinical testing. Allele origin: germline.

Labcorp Genetics (formerly Invitae), Labcorp
Classification: Uncertain significance. Last evaluated: 2021-09-10. Review status: criteria provided, single submitter. Criteria: Invitae Variant Classification Sherloc (09022015). Collection method: clinical testing. Allele origin: germline.
Comment: This sequence change replaces aspartic acid with asparagine at codon 814 of the EYS protein (p.Asp814Asn). The aspartic acid residue is highly conserved and there is a small physicochemical difference between aspartic acid and asparagine. This variant is not present in population databases (ExAC no frequency). This variant has not been reported in the literature in individuals affected with EYS-related conditions. Algorithms developed to predict the effect of missense changes on protein structure and function are either unavailable or do not agree on the potential impact of this missense change (SIFT: "Deleterious"; PolyPhen-2: "Possibly Damaging"; Align-GVGD: "Class C0"). In summary, the available evidence is currently insufficient to determine the role of this variant in disease. Therefore, it has been classified as a Variant of Uncertain Significance.

NM_001142800.2(EYS):c.2440G>A (p.Asp814Asn)

Gene: EYS (EGF-like photoreceptor maintenance factor; minus strand). Cytogenetic location: 6q12.
Variant type: single nucleotide variant.
Coding change: c.2440G>A on transcript NM_001142800.2 (MANE Select); coding-DNA position 2440, G replaced by A.
Protein change: p.Asp814Asn; replaces aspartic acid 814 with asparagine.
Molecular consequence: missense variant.
Genome position (GRCh38, 1-based): chr6:64,912,685, C>T on the plus strand (G>A on the coding strand, the complement: EYS is on the minus strand). VCF-style: chr6-64912685-C-T. GRCh37 (hg19) VCF-style: chr6-65622578-C-T.
Other names: c.2440G>A, p.Asp814Asn (NM_001292009.2); c.2440G>A (NM_001142800.1); short protein forms D814N.
Identifiers: ClinVar variation 2139890 (VCV002139890.3), dbSNP rs1354624095, ClinGen allele CA364786516.
Genomic context (GRCh38, chr6:64,912,685, plus strand): 5'-CAAATTGTCCAGGGATGGTAGATTCATGACAAAGACCTCCATTCATGCATGGATCAGAGT[C>T]GCATTCATTTATTTCTTCACTACAGTTCTGTCCAGTCCATCCAGATGTACACTCACATCT-3'
Protein context (NP_001136272.1, residues 804-824): QNCSEEINEC[Asp814Asn]SDPCMNGGLC